The following is an entry in ClinVar:

ClinVar aggregate classification (germline): Likely pathogenic (1 of 4 stars; one submission).

Conditions:
Developmental and epileptic encephalopathy, 9 (DEE9). Also called: Early infantile epileptic encephalopathy 9; EPILEPSY, FEMALE-RESTRICTED, WITH MENTAL RETARDATION; JUBERG-HELLMAN SYNDROME; PCDH19-Related X-Linked Female-Limited Epilepsy with Mental Retardation. Identifiers: Orphanet 101039, Orphanet 2076, MedGen C1848137, MONDO:0010246, OMIM 300088. Disease mechanism: loss of function.

Submission:

Labcorp Genetics (formerly Invitae), Labcorp
Classification: Likely pathogenic for Developmental and epileptic encephalopathy, 9. Last evaluated: 2019-08-19. Review status: criteria provided, single submitter. Criteria: Invitae Variant Classification Sherloc (09022015). Collection method: clinical testing. Allele origin: germline.
Comment: In summary, the currently available evidence indicates that the variant is pathogenic, but additional data are needed to prove that conclusively. Therefore, this variant has been classified as Likely Pathogenic. Algorithms developed to predict the effect of missense changes on protein structure and function (SIFT, PolyPhen-2, Align-GVGD) all suggest that this variant is likely to be disruptive, but these predictions have not been confirmed by published functional studies and their clinical significance is uncertain. This variant has been observed in individual(s) with clinical features of PCDH19-related conditions (Invitae). In at least one individual the variant was observed to be de novo. This variant is not present in population databases (ExAC no frequency). This sequence change replaces glycine with valine at codon 296 of the PCDH19 protein (p.Gly296Val). The glycine residue is highly conserved and there is a moderate physicochemical difference between glycine and valine.

NM_001184880.2(PCDH19):c.887G>T (p.Gly296Val)

Gene: PCDH19 (protocadherin 19; minus strand). Cytogenetic location: Xq22.1.
Variant type: single nucleotide variant.
Coding change: c.887G>T on transcript NM_001184880.2 (MANE Select); coding-DNA position 887, G replaced by T.
Protein change: p.Gly296Val; replaces glycine 296 with valine.
Molecular consequence: missense variant.
Genome position (GRCh38, 1-based): chrX:100,407,711, C>A on the plus strand (G>T on the coding strand, the complement: PCDH19 is on the minus strand). VCF-style: chrX-100407711-C-A. GRCh37 (hg19) VCF-style: chrX-99662709-C-A.
Other names: c.887G>T, p.Gly296Val (NM_001105243.2, NM_020766.3); short protein forms G296V.
Identifiers: ClinVar variation 947804 (VCV000947804.10), dbSNP rs1459520904, ClinGen allele CA414005077.